The following is an entry in ClinVar:

ClinVar aggregate classification (germline): Uncertain significance (1 of 4 stars; one submission).

Allele frequency attached by ClinVar (database versions not stated): gnomAD exomes below 0.00001.

Submission:

GeneDx
Classification: Uncertain significance. Last evaluated: 2020-08-24. Review status: criteria provided, single submitter. Criteria: GeneDx Variant Classification Process June 2021. Collection method: clinical testing. Allele origin: germline. Affected: yes.
Comment: Not observed in large population cohorts (Lek et al., 2016); Has not been previously published as pathogenic or benign to our knowledge; In-silico analysis, which includes splice predictors and evolutionary conservation, is inconclusive as to whether the variant alters gene splicing. In the absence of RNA/functional studies, the actual effect of this sequence change is unknown.

NM_005633.4(SOS1):c.2167+5del

Gene: SOS1 (SOS Ras/Rac guanine nucleotide exchange factor 1; minus strand). Cytogenetic location: 2p22.1.
Variant type: Deletion.
Coding change: c.2167+5del on transcript NM_005633.4 (MANE Select); 5 bases into the intron after coding-DNA position 2167, one base deleted (G; older notation c.2167+5delG).
Molecular consequence: intron variant.
Genome position (GRCh38, 1-based): chr2:39,013,455, C deleted on the plus strand (G on the coding strand, the reverse complement: SOS1 is on the minus strand). VCF-style (leftmost placement, unchanged base first): chr2-39013454-AC-A. GRCh37 (hg19) VCF-style: chr2-39240595-AC-A.
Other names: c.2146+5del (NM_001382394.1); c.2167+5del (NM_001382395.1).
Identifiers: ClinVar variation 1190960 (VCV001190960.2), dbSNP rs2124517396, ClinGen allele CA2499215940.